The following is an entry in ClinVar:

ClinVar aggregate classification (germline): Uncertain significance (1 of 4 stars; one submission).

Submission:

Labcorp Genetics (formerly Invitae), Labcorp
Classification: Uncertain significance. Last evaluated: 2021-12-03. Review status: criteria provided, single submitter. Criteria: Invitae Variant Classification Sherloc (09022015). Collection method: clinical testing. Allele origin: germline.
Comment: In summary, the available evidence is currently insufficient to determine the role of this variant in disease. Therefore, it has been classified as a Variant of Uncertain Significance. Algorithms developed to predict the effect of missense changes on protein structure and function (SIFT, PolyPhen-2, Align-GVGD) all suggest that this variant is likely to be disruptive. This variant has not been reported in the literature in individuals affected with FGF23-related conditions. This variant is not present in population databases (gnomAD no frequency). This sequence change replaces arginine, which is basic and polar, with serine, which is neutral and polar, at codon 92 of the FGF23 protein (p.Arg92Ser).

NM_020638.3(FGF23):c.276A>T (p.Arg92Ser)

Gene: FGF23 (fibroblast growth factor 23; minus strand). Cytogenetic location: 12p13.32.
Variant type: single nucleotide variant.
Coding change: c.276A>T on transcript NM_020638.3 (MANE Select); coding-DNA position 276, A replaced by T.
Protein change: p.Arg92Ser; replaces arginine 92 with serine.
Molecular consequence: missense variant.
Genome position (GRCh38, 1-based): chr12:4,372,633, T>A on the plus strand (A>T on the coding strand, the complement: FGF23 is on the minus strand). VCF-style: chr12-4372633-T-A. GRCh37 (hg19) VCF-style: chr12-4481799-T-A.
Other names: short protein forms R92S.
Identifiers: ClinVar variation 1354916 (VCV001354916.6), dbSNP rs2120733935, ClinGen allele CA383416746.